The following is an entry in ClinVar:

ClinVar aggregate classification (germline): Uncertain significance (1 of 4 stars; one submission).

Conditions:
Acute myeloid leukemia (AML). Also called: Acute myeloid leukemia, adult; AML adult; Acute non-lymphocytic leukemia; Acute granulocytic leukemia; Leukemia, acute myeloid, somatic; Leukemia, acute myelogenous, somatic. Identifiers: Orphanet 519, MedGen C0023467, MeSH D015470, MONDO:0018874, OMIM 601626, HP:0004808. Disease mechanism: Constitutively activated FLT3.

Allele frequency attached by ClinVar (database versions not stated): TOPMed below 0.00001.

Submission:

Labcorp Genetics (formerly Invitae), Labcorp
Classification: Uncertain significance for Acute myeloid leukemia. Last evaluated: 2021-12-17. Review status: criteria provided, single submitter. Criteria: Invitae Variant Classification Sherloc (09022015). Collection method: clinical testing. Allele origin: germline.
Comment: This sequence change replaces glutamic acid, which is acidic and polar, with glutamine, which is neutral and polar, at codon 163 of the CEBPA protein (p.Glu163Gln). This variant is not present in population databases (gnomAD no frequency). In summary, the available evidence is currently insufficient to determine the role of this variant in disease. Therefore, it has been classified as a Variant of Uncertain Significance. Algorithms developed to predict the effect of missense changes on protein structure and function are either unavailable or do not agree on the potential impact of this missense change (SIFT: "Deleterious"; PolyPhen-2: "Probably Damaging"; Align-GVGD: "Class C0"). This variant has not been reported in the literature in individuals affected with CEBPA-related conditions.

NM_004364.5(CEBPA):c.487G>C (p.Glu163Gln)

Gene: CEBPA (CCAAT enhancer binding protein alpha; minus strand). Cytogenetic location: 19q13.11.
Variant type: single nucleotide variant.
Coding change: c.487G>C on transcript NM_004364.5 (MANE Select); coding-DNA position 487, G replaced by C.
Protein change: p.Glu163Gln; replaces glutamic acid 163 with glutamine.
Molecular consequence: missense variant.
Genome position (GRCh38, 1-based): chr19:33,301,928, C>G on the plus strand (G>C on the coding strand, the complement: CEBPA is on the minus strand). VCF-style: chr19-33301928-C-G. GRCh37 (hg19) VCF-style: chr19-33792834-C-G.
Other names: c.130G>C, p.Glu44Gln (NM_001285829.2); c.592G>C, p.Glu198Gln (NM_001287424.2); c.445G>C, p.Glu149Gln (NM_001287435.2); short protein forms E149Q, E44Q, E163Q, E198Q.
Identifiers: ClinVar variation 2045169 (VCV002045169.4), dbSNP rs1347514128, ClinGen allele CA405274851.